The following is an entry in ClinVar:

NM_000784.4(CYP27A1):c.152G>A (p.Arg51Gln)

Gene: CYP27A1 (cytochrome P450 family 27 subfamily A member 1; plus strand). Cytogenetic location: 2q35.
Variant type: single nucleotide variant.
Coding change: c.152G>A on transcript NM_000784.4 (MANE Select); coding-DNA position 152, G replaced by A.
Protein change: p.Arg51Gln; replaces arginine 51 with glutamine.
Molecular consequence: missense variant.
Genome position (GRCh38, 1-based): chr2:218,782,334, G>A. VCF-style: chr2-218782334-G-A. GRCh37 (hg19) VCF-style: chr2-219647057-G-A.
Other names: short protein forms R51Q.
Identifiers: ClinVar variation 2054119 (VCV002054119.3), dbSNP rs1333445399, ClinGen allele CA350576228.

ClinVar aggregate classification (germline): Uncertain significance (1 of 4 stars; one submission).

Conditions:
Cholestanol storage disease (CTX). Also called: Cerebrotendinous Xanthomatosis; CEREBRAL CHOLESTERINOSIS; CTX: Cerebrotendinous xanthomatosis. Identifiers: Orphanet 909, MedGen C0238052, MONDO:0008948, OMIM 213700.

gnomAD v4.1: 3 of 1,613,492 alleles (0.00019%); highest among the groups gnomAD compares: South Asian, 0.0011%; no homozygotes.

Submission:

Labcorp Genetics (formerly Invitae), Labcorp
Classification: Uncertain significance for Cholestanol storage disease. Last evaluated: 2023-11-17. Review status: criteria provided, single submitter. Criteria: Invitae Variant Classification Sherloc (09022015). Collection method: clinical testing. Allele origin: germline.
Comment: This sequence change replaces arginine, which is basic and polar, with glutamine, which is neutral and polar, at codon 51 of the CYP27A1 protein (p.Arg51Gln). The frequency data for this variant in the population databases is considered unreliable, as metrics indicate poor data quality at this position in the gnomAD database. This variant has not been reported in the literature in individuals affected with CYP27A1-related conditions. ClinVar contains an entry for this variant (Variation ID: 2054119). Advanced modeling of protein sequence and biophysical properties (such as structural, functional, and spatial information, amino acid conservation, physicochemical variation, residue mobility, and thermodynamic stability) performed at Invitae indicates that this missense variant is not expected to disrupt CYP27A1 protein function with a negative predictive value of 95%. In summary, the available evidence is currently insufficient to determine the role of this variant in disease. Therefore, it has been classified as a Variant of Uncertain Significance.